The following is an entry in ClinVar:

NM_024675.4(PALB2):c.2866G>T (p.Glu956Ter)

Gene: PALB2 (partner and localizer of BRCA2; minus strand). Cytogenetic location: 16p12.2.
Variant type: single nucleotide variant.
Coding change: c.2866G>T on transcript NM_024675.4 (MANE Select); coding-DNA position 2866, G replaced by T.
Protein change: p.Glu956Ter; replaces glutamic acid 956 with a stop codon.
Molecular consequence: nonsense.
Genome position (GRCh38, 1-based): chr16:23,623,099, C>A on the plus strand (G>T on the coding strand, the complement: PALB2 is on the minus strand). VCF-style: chr16-23623099-C-A. GRCh37 (hg19) VCF-style: chr16-23634420-C-A.
Other names: short protein forms E956*.
Identifiers: ClinVar variation 628431 (VCV000628431.12), dbSNP rs1219715328, ClinGen allele CA395144411.
Genomic context (GRCh38, chr16:23,623,099, plus strand): 5'-TCCTCTTTGTCAGGCCAAGCACAGCTTTTATATTTCCAGACTTCAGTAGTACTTGCTTTT[C>A]ACTTTCATCATCAGAGGAACAAAACAATGCCCTAAGCCAAATATAAGGAAAAATGGGGTG-3'

ClinVar aggregate classification (germline): Pathogenic/Likely pathogenic. Review status: criteria provided, multiple submitters, no conflicts (2 of 4 stars). 4 submissions from 4 submitters: Pathogenic (3); Likely pathogenic (1). Last evaluated 2023-09-14.

Conditions:
Hereditary cancer-predisposing syndrome. Also called: Neoplastic Syndromes, Hereditary; Tumor predisposition; Hereditary neoplastic syndrome; Hereditary Cancer Syndrome. Identifiers: Orphanet 140162, MedGen C0027672, MeSH D009386, MONDO:0015356.
Familial cancer of breast. Also called: BREAST CANCER, FAMILIAL; Hereditary breast cancer; hereditary breast carcinoma. Identifiers: Orphanet 227535, MedGen C0346153, MONDO:0016419, OMIM 114480. Disease mechanism: loss of function.

Submissions (4):

Myriad Genetics, Inc.
Classification: Pathogenic for Familial cancer of breast. Last evaluated: 2023-09-14. Review status: criteria provided, single submitter. Criteria: Myriad Autosomal Dominant, Autosomal Recessive and X-Linked Classification Criteria (2023). Collection method: clinical testing. Allele origin: unknown.
Comment: This variant is considered pathogenic. This variant creates a termination codon and is predicted to result in premature protein truncation.

Labcorp Genetics (formerly Invitae), Labcorp
Classification: Pathogenic for Familial cancer of breast. Last evaluated: 2022-09-07. Review status: criteria provided, single submitter. Criteria: Invitae Variant Classification Sherloc (09022015). Collection method: clinical testing. Allele origin: germline.
Comment: Algorithms developed to predict the effect of sequence changes on RNA splicing suggest that this variant may disrupt the consensus splice site. For these reasons, this variant has been classified as Pathogenic. ClinVar contains an entry for this variant (Variation ID: 628431). This variant has not been reported in the literature in individuals affected with PALB2-related conditions. This variant is not present in population databases (gnomAD no frequency). This sequence change creates a premature translational stop signal (p.Glu956*) in the PALB2 gene. It is expected to result in an absent or disrupted protein product. Loss-of-function variants in PALB2 are known to be pathogenic (PMID: 17200668, 17200671, 17200672, 24136930, 25099575).

Baylor Genetics
Classification: Likely pathogenic for Familial cancer of breast. Last evaluated: 2022-04-21. Review status: criteria provided, single submitter. Criteria: ACMG Guidelines, 2015. Collection method: clinical testing. Allele origin: unknown.

Color Diagnostics, LLC DBA Color Health
Classification: Pathogenic for Hereditary cancer-predisposing syndrome. Last evaluated: 2018-05-21. Review status: criteria provided, single submitter. Criteria: ACMG Guidelines, 2015. Collection method: clinical testing. Allele origin: germline.

Literature cited by the submitters: PubMed 17200668 (cited by Labcorp Genetics (formerly Invitae), Labcorp); PubMed 17200671 (cited by Labcorp Genetics (formerly Invitae), Labcorp); PubMed 17200672 (cited by Labcorp Genetics (formerly Invitae), Labcorp); PubMed 24136930 (cited by Labcorp Genetics (formerly Invitae), Labcorp); PubMed 25099575 (cited by Labcorp Genetics (formerly Invitae), Labcorp).